The following is an entry in ClinVar:

NM_002890.3(RASA1):c.581G>A (p.Arg194His)

Genes: CCNH (cyclin H; minus strand), RASA1 (RAS p21 protein activator 1; plus strand). Cytogenetic location: 5q14.3.
Variant type: single nucleotide variant.
Coding change: c.581G>A on transcript NM_002890.3 (MANE Select); coding-DNA position 581, G replaced by A.
Protein change: p.Arg194His; replaces arginine 194 with histidine.
Molecular consequence: missense variant. On other transcripts: intron variant (1).
Genome position (GRCh38, 1-based): chr5:87,331,389, G>A. VCF-style: chr5-87331389-G-A. GRCh37 (hg19) VCF-style: chr5-86627206-G-A.
Other names: c.50G>A, p.Arg17His (NM_022650.3); c.934-18594C>T (NM_001364075.2); short protein forms R17H, R194H.
Identifiers: ClinVar variation 3242185 (VCV003242185.1), dbSNP rs2531187248.
Genomic context (GRCh38, chr5:87,331,389, plus strand): 5'-TTCTCTGTTTTTCCCCTAGGTGGTATCACGGAAAACTTGACAGAACGATAGCAGAAGAAC[G>A]CCTCAGGCAGGCAGGGAAGTCTGGCAGTTATCTTATAAGAGAGAGTGATCGGAGGCCAGG-3'
Protein context (NP_002881.1, residues 184-204): GKLDRTIAEE[Arg194His]LRQAGKSGSY

ClinVar aggregate classification (germline): Uncertain significance (1 of 4 stars; one submission).

Conditions:
Capillary malformation-arteriovenous malformation 1 (CMAVM1). Identifiers: Orphanet 137667, Orphanet 693907, MedGen C4747394, MONDO:0020783, OMIM 608354.

Submission:

Neuberg Centre For Genomic Medicine, NCGM
Classification: Uncertain significance for Capillary malformation-arteriovenous malformation 1. Review status: criteria provided, single submitter. Criteria: ACMG Guidelines, 2015. Collection method: clinical testing. Allele origin: germline. Inheritance: Autosomal dominant inheritance. Affected: yes.
Comment: The missense c.581G>A(p.Arg194His) variant in RASA1 gene has not been reported previously as a pathogenic variant nor as a benign variant, to our knowledge. The p.Arg194His variant is absent in gnomAD Exomes and 1000 Genomes. This variant has not been reported to the ClinVar database. The amino acid change p.Arg194His in RASA1 is predicted as conserved by GERP++ and PhyloP across 100 vertebrates. The amino acid Arg at position 194 is changed to a His changing protein sequence and it might alter its composition and physico-chemical properties. For these reasons, this variant has been classified as Variant of Uncertain Significance (VUS).